The following is an entry in ClinVar:

NM_000528.4(MAN2B1):c.2618C>A (p.Pro873Gln)

Gene: MAN2B1 (mannosidase alpha class 2B member 1; minus strand). Cytogenetic location: 19p13.13.
Variant type: single nucleotide variant.
Coding change: c.2618C>A on transcript NM_000528.4 (MANE Select); coding-DNA position 2618, C replaced by A.
Protein change: p.Pro873Gln; replaces proline 873 with glutamine.
Molecular consequence: missense variant.
Genome position (GRCh38, 1-based): chr19:12,648,221, G>T on the plus strand (C>A on the coding strand, the complement: MAN2B1 is on the minus strand). VCF-style: chr19-12648221-G-T. GRCh37 (hg19) VCF-style: chr19-12759035-G-T.
Other names: c.2615C>A, p.Pro872Gln (NM_001173498.2); short protein forms P873Q, P872Q.
Identifiers: ClinVar variation 1480288 (VCV001480288.6), dbSNP rs752022224, ClinGen allele CA404239593.

ClinVar aggregate classification (germline): Uncertain significance (1 of 4 stars; one submission).

Conditions:
Deficiency of alpha-mannosidase (MANSA). Also called: Alpha-Mannosidosis; LYSOSOMAL ALPHA-D-MANNOSIDASE DEFICIENCY; Mannosidosis, alpha-, types I and II. Identifiers: Orphanet 61, MedGen C0024748, MONDO:0009561, OMIM 248500.

Submission:

Labcorp Genetics (formerly Invitae), Labcorp
Classification: Uncertain significance for Deficiency of alpha-mannosidase. Last evaluated: 2022-06-13. Review status: criteria provided, single submitter. Criteria: Invitae Variant Classification Sherloc (09022015). Collection method: clinical testing. Allele origin: germline.
Comment: This variant is not present in population databases (gnomAD no frequency). In summary, the available evidence is currently insufficient to determine the role of this variant in disease. Therefore, it has been classified as a Variant of Uncertain Significance. Algorithms developed to predict the effect of sequence changes on RNA splicing suggest that this variant may create or strengthen a splice site. Algorithms developed to predict the effect of missense changes on protein structure and function output the following: SIFT: "Tolerated"; PolyPhen-2: "Benign"; Align-GVGD: "Class C0". The glutamine amino acid residue is found in multiple mammalian species, which suggests that this missense change does not adversely affect protein function. This variant has not been reported in the literature in individuals affected with MAN2B1-related conditions. This sequence change replaces proline, which is neutral and non-polar, with glutamine, which is neutral and polar, at codon 873 of the MAN2B1 protein (p.Pro873Gln).